The following is an entry in ClinVar:

ClinVar aggregate classification (germline): Uncertain significance (1 of 4 stars; one submission).

Conditions:
DOT1L-related disorder.

Submission:

3billion
Classification: Uncertain significance for DOT1L-related disorder. Last evaluated: 2026-01-21. Review status: criteria provided, single submitter. Criteria: ACMG Guidelines, 2015. Collection method: clinical testing. Allele origin: germline. Affected: yes.
Comment: The variant is not observed in the gnomAD v4.1.0 dataset. Predicted Consequence/Location: Canonical splice site variant In silico tools predict the variant to alter splicing and produce an abnormal transcript [SpliceAI: 0.98 (spliceogenicity >=0.2, non-spliceogenicity <0.1)]. Therefore, this variant is classified as VUS according to the recommendation of ACMG/AMP guideline.

NM_032482.3(DOT1L):c.1351+1G>A

Gene: DOT1L (DOT1 like histone lysine methyltransferase; plus strand). Cytogenetic location: 19p13.3.
Variant type: single nucleotide variant.
Coding change: c.1351+1G>A on transcript NM_032482.3 (MANE Select); the canonical splice donor site of the intron after coding-DNA position 1351, G replaced by A.
Molecular consequence: splice donor variant.
Genome position (GRCh38, 1-based): chr19:2,210,856, G>A. VCF-style: chr19-2210856-G-A. GRCh37 (hg19) VCF-style: chr19-2210855-G-A.
Other names: c.1351+1G>A (NM_001411141.1).
Identifiers: ClinVar variation 4856106 (VCV004856106.1).
Genomic context (GRCh38, chr19:2,210,856, plus strand): 5'-CTGCACTGGATGCCCTGCACGCTCAGACCGTGTCTCAGACGGCGGCCTCCTCACCCCAGG[G>A]TGAGCCGCCCCCACGCCACGGCCCCCGCTCTCCCCGAGTGCGGATGCCTGGGGTCCCCTC-3'